The following is an entry in ClinVar:

NM_172107.4(KCNQ2):c.2570C>T (p.Thr857Ile)

Gene: KCNQ2 (potassium voltage-gated channel subfamily Q member 2; minus strand). Cytogenetic location: 20q13.33.
Variant type: single nucleotide variant.
Coding change: c.2570C>T on transcript NM_172107.4 (MANE Select); coding-DNA position 2570, C replaced by T.
Protein change: p.Thr857Ile; replaces threonine 857 with isoleucine.
Molecular consequence: missense variant.
Genome position (GRCh38, 1-based): chr20:63,406,693, G>A on the plus strand (C>T on the coding strand, the complement: KCNQ2 is on the minus strand). VCF-style: chr20-63406693-G-A. GRCh37 (hg19) VCF-style: chr20-62038046-G-A.
Other names: c.2624C>T, p.Thr875Ile (NM_001382235.1); c.2486C>T, p.Thr829Ile (NM_004518.6); c.2516C>T, p.Thr839Ile (NM_172106.3); c.2477C>T, p.Thr826Ile (NM_172108.5); short protein forms T826I, T829I, T839I, T857I, T875I.
Identifiers: ClinVar variation 2417655 (VCV002417655.7), dbSNP rs753368036, ClinGen allele CA9958056.

ClinVar aggregate classification (germline): Uncertain significance (1 of 4 stars; one submission).

Conditions:
Early-infantile DEE. Also called: Early infantile epileptic encephalopathy; Early infantile epileptic encephalopathy with suppression bursts; Ohtahara syndrome. Identifiers: Orphanet 1934, MedGen C0393706, MONDO:0800491.

Allele frequency attached by ClinVar (database versions not stated): gnomAD exomes 0.00002; ExAC 0.00003.
gnomAD v4.1: 10 of 1,606,220 alleles (0.00062%); highest among the groups gnomAD compares: East Asian, 0.02%; no homozygotes.

Submissions (2):

Labcorp Genetics (formerly Invitae), Labcorp
Classification: Uncertain significance for Early-infantile DEE. Last evaluated: 2023-06-08. Review status: criteria provided, single submitter. Criteria: Invitae Variant Classification Sherloc (09022015). Collection method: clinical testing. Allele origin: germline.
Comment: This sequence change replaces threonine, which is neutral and polar, with isoleucine, which is neutral and non-polar, at codon 857 of the KCNQ2 protein (p.Thr857Ile). This variant is present in population databases (rs753368036, gnomAD 0.02%). This variant has not been reported in the literature in individuals affected with KCNQ2-related conditions. ClinVar contains an entry for this variant (Variation ID: 2417655). An algorithm developed to predict the effect of missense changes on protein structure and function (PolyPhen-2) suggests that this variant is likely to be disruptive. In summary, the available evidence is currently insufficient to determine the role of this variant in disease. Therefore, it has been classified as a Variant of Uncertain Significance.

Channelopathy-Associated Epilepsy Research Center
No classification provided (evidence only). Condition: Complex neurodevelopmental disorder. Review status: no classification provided. Collection method: literature only. Allele origin: not applicable. Functional consequence: Normal peak current, Normal rate of activation, Normal voltage dependence of activation. Not counted in ClinVar's aggregate classification.
ClinVar note: "not provided" was previously submitted as the classification for the variant. However, the classification appeared to be based only on an observation of functional data so it was converted to no classification on 2025-07-30.

Literature cited by the submitters: PubMed 35104249 (cited by Channelopathy-Associated Epilepsy Research Center).